The following is an entry in ClinVar:

NM_001005242.3(PKP2):c.275T>C (p.Leu92Ser)

Gene: PKP2 (plakophilin 2; minus strand). Cytogenetic location: 12p11.21.
Variant type: single nucleotide variant.
Coding change: c.275T>C on transcript NM_001005242.3 (MANE Select); coding-DNA position 275, T replaced by C.
Protein change: p.Leu92Ser; replaces leucine 92 with serine.
Molecular consequence: missense variant. On other transcripts: 5 prime UTR variant (4).
Genome position (GRCh38, 1-based): chr12:32,878,981, A>G on the plus strand (T>C on the coding strand, the complement: PKP2 is on the minus strand). VCF-style: chr12-32878981-A-G. GRCh37 (hg19) VCF-style: chr12-33031915-A-G.
Other names: c.275T>C, p.Leu92Ser (NM_001407155.1, NM_001407156.1, NM_001407157.1 and 2 more transcripts); c.-53T>C (NM_001407158.1, NM_001407159.1, NM_001407160.1 and 1 more transcripts); short protein forms L92S.
Identifiers: ClinVar variation 2979986 (VCV002979986.4), dbSNP rs763639737, ClinGen allele CA036441.

ClinVar aggregate classification (germline): Uncertain significance. Review status: criteria provided, multiple submitters, no conflicts (2 of 4 stars). 2 submissions from 2 submitters: Uncertain significance (2). Last evaluated 2025-09-15.

Conditions:
Cardiomyopathy (CMYO). Also called: Cardiomyopathies. Identifiers: Orphanet 167848, MedGen C0878544, MONDO:0004994, HP:0001638. Inheritance: Various modes of inheritance.
Arrhythmogenic right ventricular dysplasia 9 (ARVD9). Also called: Arrhythmogenic Right Ventricular Dysplasia/Cardiomyopathy 9; ARRHYTHMOGENIC RIGHT VENTRICULAR DYSPLASIA, FAMILIAL, 9. Identifiers: MedGen C1836906, MONDO:0012180, OMIM 609040.

Allele frequency attached by ClinVar (database versions not stated): ExAC 0.00001.
gnomAD v4.1: 4 of 1,609,096 alleles (0.00025%); highest among the groups gnomAD compares: Non-Finnish European, 0.00034%; no homozygotes.

Submissions (2):

Color Diagnostics, LLC DBA Color Health
Classification: Uncertain significance for Cardiomyopathy. Last evaluated: 2025-09-15. Review status: criteria provided, single submitter. Criteria: ACMG Guidelines, 2015. Collection method: clinical testing. Allele origin: germline.
Comment: This missense variant replaces leucine with serine at codon 92 of the PKP2 protein. Computational prediction suggests that this variant may not impact protein structure and function. To our knowledge, functional studies have not been reported for this variant. This variant has not been reported in individuals affected with PKP2-related disorders in the literature. This variant has been identified in 2/251424 chromosomes in the general population by the Genome Aggregation Database (gnomAD). The available evidence is insufficient to determine the role of this variant in disease conclusively. Therefore, this variant is classified as a Variant of Uncertain Significance.

Labcorp Genetics (formerly Invitae), Labcorp
Classification: Uncertain significance for Arrhythmogenic right ventricular dysplasia 9. Last evaluated: 2023-09-23. Review status: criteria provided, single submitter. Criteria: Invitae Variant Classification Sherloc (09022015). Collection method: clinical testing. Allele origin: germline.
Comment: In summary, the available evidence is currently insufficient to determine the role of this variant in disease. Therefore, it has been classified as a Variant of Uncertain Significance. An algorithm developed to predict the effect of missense changes on protein structure and function (PolyPhen-2) suggests that this variant is likely to be tolerated. This variant has not been reported in the literature in individuals affected with PKP2-related conditions. This variant is present in population databases (rs763639737, gnomAD 0.002%). This sequence change replaces leucine, which is neutral and non-polar, with serine, which is neutral and polar, at codon 92 of the PKP2 protein (p.Leu92Ser).